The following is an entry in ClinVar:

NC_000015.9:g.(?_76566733)_(76566855_?)del

Gene: ETFA (electron transfer flavoprotein subunit alpha; minus strand). Cytogenetic location: 15q24.2.
Variant type: Deletion.
Identifiers: ClinVar variation 3243763 (VCV003243763.1).

ClinVar aggregate classification (germline): Pathogenic (1 of 4 stars; one submission).

Conditions:
Multiple acyl-CoA dehydrogenase deficiency (MADD). Also called: ETHYLMALONIC-ADIPICACIDURIA; GA II; Glutaric aciduria, type 2; Glutaric acidemia type II; GA 2; Glutaric Acidemia type 2. Identifiers: Orphanet 26791, MedGen C0268596, MONDO:0009282, OMIM 231680.

Submission:

Labcorp Genetics (formerly Invitae), Labcorp
Classification: Pathogenic for Multiple acyl-CoA dehydrogenase deficiency. Last evaluated: 2023-12-06. Review status: criteria provided, single submitter. Criteria: Invitae Variant Classification Sherloc (09022015). Collection method: clinical testing. Allele origin: unknown.
Comment: This variant is a gross deletion of the genomic region encompassing exon(s) 9 of the ETFA gene. This deletion is out-of-frame, and is expected to create a premature termination codon and result in an absent or disrupted protein product. Loss-of-function variants in ETFA are known to be pathogenic (PMID: 16510302, 23785301). This variant has not been reported in the literature in individuals affected with ETFA-related conditions. For these reasons, this variant has been classified as Pathogenic.

Literature cited by the submitters: PubMed 16510302; PubMed 23785301.